The following is an entry in ClinVar:

NM_001374736.1(DST):c.12813C>G (p.Leu4271=)

Gene: DST (dystonin; minus strand). Cytogenetic location: 6p12.1.
Variant type: single nucleotide variant.
Coding change: c.12813C>G on transcript NM_001374736.1 (MANE Select); coding-DNA position 12813, C replaced by G.
Protein change: p.Leu4271=; no amino-acid change (leucine 4271 retained).
Molecular consequence: synonymous variant.
Genome position (GRCh38, 1-based): chr6:56,592,272, G>C on the plus strand (C>G on the coding strand, the complement: DST is on the minus strand). VCF-style: chr6-56592272-G-C. GRCh37 (hg19) VCF-style: chr6-56457070-G-C.
Other names: c.6456C>G, p.Leu2152= (NM_001144769.5); c.6042C>G, p.Leu2014= (NM_001144770.2); c.12813C>G, p.Leu4271= (NM_001374722.1); c.12180C>G, p.Leu4060= (NM_001374729.1); c.5922C>G, p.Leu1974= (NM_001374730.1, NM_001386100.1, NM_183380.4); c.12840C>G, p.Leu4280= (NM_001374734.1); c.4944C>G, p.Leu1648= (NM_015548.5).
Identifiers: ClinVar variation 2927426 (VCV002927426.2), dbSNP rs762349901, ClinGen allele CA3868388.
Genomic context (GRCh38, chr6:56,592,272, plus strand): 5'-TTTGGGGTCCACCGCAATAGGTTCAGATAAGTGTTTGCTCGCTGTGGCCTCACAGGCCTG[G>C]AGTCCAGCAAGAAGTCCACATGAAGCATCTTCATAGTGTTGATATTTATCCACCAGATCT-3'
Protein context (NP_001361665.1, residues 4261-4281): EDASCGLLAG[Leu4271=]QACEATASKH

ClinVar aggregate classification (germline): Uncertain significance (1 of 4 stars; one submission).

Conditions:
Hereditary sensory and autonomic neuropathy type 6. Also called: HSAN VI; Neuropathy, hereditary sensory and autonomic, type VI. Identifiers: Orphanet 314381, MedGen C3539003, MONDO:0013839, OMIM 614653.
Epidermolysis bullosa simplex 3, localized or generalized intermediate, with BP230 deficiency (EBS3). Also called: Epidermolysis bullosa simplex, autosomal recessive 2; Epidermolysis bullosa simplex due to BP230 deficiency. Identifiers: Orphanet 412181, MedGen C3809470, MONDO:0014180, OMIM 615425.

Allele frequency attached by ClinVar (database versions not stated): ExAC 0.00001; gnomAD 0.00001; TOPMed 0.00003.
gnomAD v4.1: 14 of 1,612,518 alleles (0.00087%); highest among the groups gnomAD compares: South Asian, 0.012%; no homozygotes.

Submission:

Labcorp Genetics (formerly Invitae), Labcorp
Classification: Uncertain significance for Epidermolysis bullosa simplex 3, localized or generalized intermediate, with BP230 deficiency; Hereditary sensory and autonomic neuropathy type 6. Last evaluated: 2023-02-06. Review status: criteria provided, single submitter. Criteria: Invitae Variant Classification Sherloc (09022015). Collection method: clinical testing. Allele origin: germline.
Comment: This variant is present in population databases (rs762349901, gnomAD 0.003%). This sequence change affects codon 1648 of the DST mRNA. It is a 'silent' change, meaning that it does not change the encoded amino acid sequence of the DST protein. The DST gene has multiple clinically relevant transcripts. This variant occurs in alternate transcript NM_015548.4, and corresponds to NM_001723.5:c.*23245C>G in the primary transcript. This variant has not been reported in the literature in individuals affected with DST-related conditions. In summary, the available evidence is currently insufficient to determine the role of this variant in disease. Therefore, it has been classified as a Variant of Uncertain Significance. Experimental studies and prediction algorithms are not available or were not evaluated, and the functional significance of this variant is currently unknown.